The following is an entry in ClinVar:

ClinVar aggregate classification (germline): Uncertain significance (1 of 4 stars; one submission).

Allele frequency attached by ClinVar (database versions not stated): ExAC 0.00002; TOPMed 0.00003; gnomAD 0.00005.

Submission:

Clinical Genomics Laboratory, Washington University in St. Louis
Classification: Uncertain significance. Last evaluated: 2024-01-29. Review status: criteria provided, single submitter. Criteria: ACMG Guidelines, 2015. Collection method: clinical testing. Allele origin: germline. Affected: yes.
Comment: The COL22A1 c.4094G>A (p.Arg1365His) variant, to our knowledge, has not been reported in the medical literature and is only observed on 7/279160 alleles in the general population (gnomAD v.2.1.1), indicating it is not a common variant. Computational predictors are uncertain as to the impact of this variant on COL22A1 function. Due to limited information, the clinical significance of this variant is uncertain.

NM_152888.3(COL22A1):c.4094G>A (p.Arg1365His)

Gene: COL22A1 (collagen type XXII alpha 1 chain; minus strand). Cytogenetic location: 8q24.23.
Variant type: single nucleotide variant.
Coding change: c.4094G>A on transcript NM_152888.3 (MANE Select); coding-DNA position 4094, G replaced by A.
Protein change: p.Arg1365His; replaces arginine 1365 with histidine.
Molecular consequence: missense variant.
Genome position (GRCh38, 1-based): chr8:138,606,391, C>T on the plus strand (G>A on the coding strand, the complement: COL22A1 is on the minus strand). VCF-style: chr8-138606391-C-T. GRCh37 (hg19) VCF-style: chr8-139618634-C-T.
Other names: short protein forms R1365H.
Identifiers: ClinVar variation 3236623 (VCV003236623.1), dbSNP rs749493332, ClinGen allele CA4890408.